The following is an entry in ClinVar:

ClinVar aggregate classification (germline): Uncertain significance (1 of 4 stars; one submission).

Allele frequency attached by ClinVar (database versions not stated): TOPMed below 0.00001.
gnomAD v4.1: 6 of 1,612,294 alleles (0.00037%); highest among the groups gnomAD compares: Non-Finnish European, 0.00051%; no homozygotes.

Submission:

GeneDx
Classification: Uncertain significance. Last evaluated: 2023-05-12. Review status: criteria provided, single submitter. Criteria: GeneDx Variant Classification Process June 2021. Collection method: clinical testing. Allele origin: germline.
Comment: Not observed at significant frequency in large population cohorts (gnomAD); In silico analysis supports that this missense variant has a deleterious effect on protein structure/function; Has not been previously published as pathogenic or benign to our knowledge

NM_080680.3(COL11A2):c.1286G>A (p.Gly429Asp)

Gene: COL11A2 (collagen type XI alpha 2 chain; minus strand). Cytogenetic location: 6p21.32.
Variant type: single nucleotide variant.
Coding change: c.1286G>A on transcript NM_080680.3 (MANE Select); coding-DNA position 1286, G replaced by A.
Protein change: p.Gly429Asp; replaces glycine 429 with aspartic acid.
Molecular consequence: missense variant.
Genome position (GRCh38, 1-based): chr6:33,180,331, C>T on the plus strand (G>A on the coding strand, the complement: COL11A2 is on the minus strand). VCF-style: chr6-33180331-C-T. GRCh37 (hg19) VCF-style: chr6-33148108-C-T.
Other names: c.965G>A, p.Gly322Asp (NM_080679.3); c.1028G>A, p.Gly343Asp (NM_080681.3); short protein forms G322D, G343D, G429D.
Identifiers: ClinVar variation 1800779 (VCV001800779.2), dbSNP rs754169204, ClinGen allele CA363606257.